The following is an entry in ClinVar:

NM_014363.6(SACS):c.5320A>T (p.Ile1774Phe)

Gene: SACS (sacsin molecular chaperone; minus strand). Cytogenetic location: 13q12.12.
Variant type: single nucleotide variant.
Coding change: c.5320A>T on transcript NM_014363.6 (MANE Select); coding-DNA position 5320, A replaced by T.
Protein change: p.Ile1774Phe; replaces isoleucine 1774 with phenylalanine.
Molecular consequence: missense variant.
Genome position (GRCh38, 1-based): chr13:23,338,556, T>A on the plus strand (A>T on the coding strand, the complement: SACS is on the minus strand). VCF-style: chr13-23338556-T-A. GRCh37 (hg19) VCF-style: chr13-23912695-T-A.
Other names: c.4879A>T, p.Ile1627Phe (NM_001278055.2); short protein forms I1627F, I1774F.
Identifiers: ClinVar variation 2147242 (VCV002147242.3), dbSNP rs1868882490, ClinGen allele CA387525927.

ClinVar aggregate classification (germline): Uncertain significance (1 of 4 stars; one submission).

Conditions:
Spastic paraplegia. Identifiers: MedGen C0037772, HP:0001258.

Allele frequency attached by ClinVar (database versions not stated): gnomAD exomes 0.00001.
gnomAD v4.1: 14 of 1,614,132 alleles (0.00087%); highest among the groups gnomAD compares: African/African-American, 0.011%; no homozygotes.

Submission:

Labcorp Genetics (formerly Invitae), Labcorp
Classification: Uncertain significance for Spastic paraplegia. Last evaluated: 2024-02-24. Review status: criteria provided, single submitter. Criteria: Invitae Variant Classification Sherloc (09022015). Collection method: clinical testing. Allele origin: germline.
Comment: This sequence change replaces isoleucine, which is neutral and non-polar, with phenylalanine, which is neutral and non-polar, at codon 1774 of the SACS protein (p.Ile1774Phe). This variant is not present in population databases (gnomAD no frequency). This variant has not been reported in the literature in individuals affected with SACS-related conditions. ClinVar contains an entry for this variant (Variation ID: 2147242). Advanced modeling of protein sequence and biophysical properties (such as structural, functional, and spatial information, amino acid conservation, physicochemical variation, residue mobility, and thermodynamic stability) performed at Invitae indicates that this missense variant is not expected to disrupt SACS protein function with a negative predictive value of 95%. In summary, the available evidence is currently insufficient to determine the role of this variant in disease. Therefore, it has been classified as a Variant of Uncertain Significance.